The following is an entry in ClinVar:

NM_005018.3(PDCD1):c.-2G>A

Gene: PDCD1 (programmed cell death 1; minus strand). Cytogenetic location: 2q37.3.
Variant type: single nucleotide variant.
Coding change: c.-2G>A on transcript NM_005018.3 (MANE Select); 2 bases upstream of the start codon, G replaced by A.
Molecular consequence: 5 prime UTR variant.
Genome position (GRCh38, 1-based): chr2:241,858,840, C>T on the plus strand (G>A on the coding strand, the complement: PDCD1 is on the minus strand). VCF-style: chr2-241858840-C-T. GRCh37 (hg19) VCF-style: chr2-242800992-C-T.
Identifiers: ClinVar variation 4981067 (VCV004981067.1).

ClinVar aggregate classification (germline): Benign (1 of 4 stars; one submission).

Conditions:
PDCD1-related disorder. Also called: PDCD1-related condition.

gnomAD v4.1: 748 of 1,568,628 alleles (0.048%); highest among the groups gnomAD compares: African/African-American, 0.92%; 3 homozygotes.

Submission:

PreventionGenetics, part of Exact Sciences
Classification: Benign for PDCD1-related condition. Last evaluated: 2025-02-07. Review status: criteria provided, single submitter. Criteria: ACMG Guidelines, 2015. Collection method: clinical testing. Allele origin: germline.
Comment: This variant is classified as benign based on ACMG/AMP sequence variant interpretation guidelines (Richards et al. 2015 PMID: 25741868, with internal and published modifications).